The following is an entry in ClinVar:

NM_004341.5(CAD):c.2473C>T (p.Arg825Cys)

Genes: CAD (carbamoyl-phosphate synthetase 2, aspartate transcarbamylase, and dihydroorotase; plus strand), LOC126806171 (BRD4-independent group 4 enhancer GRCh37_chr2:27454350-27455549; plus strand). Cytogenetic location: 2p23.3.
Variant type: single nucleotide variant.
Coding change: c.2473C>T on transcript NM_004341.5 (MANE Select); coding-DNA position 2473, C replaced by T.
Protein change: p.Arg825Cys; replaces arginine 825 with cysteine.
Molecular consequence: missense variant.
Genome position (GRCh38, 1-based): chr2:27,232,052, C>T. VCF-style: chr2-27232052-C-T. GRCh37 (hg19) VCF-style: chr2-27454920-C-T.
Other names: c.2284C>T, p.Arg762Cys (NM_001306079.2); short protein forms R762C, R825C.
Identifiers: ClinVar variation 5006277 (VCV005006277.2).
Genomic context (GRCh38, chr2:27,232,052, plus strand): 5'-CCAACAGATAAGCGGATTTTTGTGGTGGCAGCTGCTTTGTGGGCTGGTTATTCAGTGGAC[C>T]GCCTGTATGAGCTCACACGCATCGACCGCTGGTTCCTGCACCGAATGAAGCGTATCATCG-3'
Protein context (NP_004332.2, residues 815-835): AALWAGYSVD[Arg825Cys]LYELTRIDRW

ClinVar aggregate classification (germline): Uncertain significance (1 of 4 stars; one submission).

Conditions:
Developmental and epileptic encephalopathy, 50 (DEE50). Also called: Epileptic encephalopathy, early infantile, 50. Identifiers: Orphanet 448010, MedGen C4225320, MONDO:0014647, OMIM 616457.

Submission:

Juno Genomics, Hangzhou Juno Genomics, Inc
Classification: Uncertain significance for Developmental and epileptic encephalopathy, 50. Review status: criteria provided, single submitter. Criteria: ACMG Guidelines, 2015. Collection method: clinical testing. Allele origin: germline.
Comment: Missense variant in a gene that has a low rate of benign missense variation.;Multiple lines of computational evidence support a deleterious effect on the gene or gene product.;Absent from controls (or at extremely low frequency if recessive) in Genome Aggregation Database.